The following is an entry in ClinVar:

NM_173598.6(KSR2):c.2081T>C (p.Ile694Thr)

Gene: KSR2 (kinase suppressor of ras 2; minus strand). Cytogenetic location: 12q24.22.
Variant type: single nucleotide variant.
Coding change: c.2081T>C on transcript NM_173598.6 (MANE Select); coding-DNA position 2081, T replaced by C.
Protein change: p.Ile694Thr; replaces isoleucine 694 with threonine.
Molecular consequence: missense variant.
Genome position (GRCh38, 1-based): chr12:117,524,990, A>G on the plus strand (T>C on the coding strand, the complement: KSR2 is on the minus strand). VCF-style: chr12-117524990-A-G. GRCh37 (hg19) VCF-style: chr12-117962795-A-G.
Other names: short protein forms I694T.
Identifiers: ClinVar variation 4990666 (VCV004990666.1).
Genomic context (GRCh38, chr12:117,524,990, plus strand): 5'-TAGGCCATCACCTCCCGCTTGAAGGCCTTGAGCTGGTCCTCGTTGTCCCTCTCAATGTCA[A>G]TCAGCCGGATGGCCACCTCGCCATGCCAGCGGCCGTGGTACACTTGCCCAAAGCGGCCCT-3'
Protein context (NP_775869.4, residues 684-704): RWHGEVAIRL[Ile694Thr]DIERDNEDQL

ClinVar aggregate classification (germline): Uncertain significance (1 of 4 stars; one submission).

Conditions:
KSR2-related disorder. Also called: KSR2-related condition.

gnomAD v4.1: 1 of 1,613,858 alleles (0.000062%); highest among the groups gnomAD compares: Admixed American, 0.0017%; no homozygotes.

Submission:

PreventionGenetics, part of Exact Sciences
Classification: Uncertain significance for KSR2-related condition. Last evaluated: 2025-11-24. Review status: criteria provided, single submitter. Criteria: ACMG Guidelines, 2015. Collection method: clinical testing. Allele origin: germline.
Comment: The KSR2 c.1994T>C variant is predicted to result in the amino acid substitution p.Ile665Thr. To our knowledge, this variant has not been reported in the literature. This variant is reported in 0.0029% of alleles in individuals of Latino descent in gnomAD. At this time, the clinical significance of this variant is uncertain due to the absence of conclusive functional and genetic evidence.